The following is an entry in ClinVar:

NM_004380.3(CREBBP):c.5557C>G (p.Gln1853Glu)

Gene: CREBBP (CREB binding lysine acetyltransferase; minus strand). Cytogenetic location: 16p13.3.
Variant type: single nucleotide variant.
Coding change: c.5557C>G on transcript NM_004380.3 (MANE Select); coding-DNA position 5557, C replaced by G.
Protein change: p.Gln1853Glu; replaces glutamine 1853 with glutamic acid.
Molecular consequence: missense variant.
Genome position (GRCh38, 1-based): chr16:3,729,490, G>C on the plus strand (C>G on the coding strand, the complement: CREBBP is on the minus strand). VCF-style: chr16-3729490-G-C. GRCh37 (hg19) VCF-style: chr16-3779491-G-C.
Other names: c.5443C>G, p.Gln1815Glu (NM_001079846.1); short protein forms Q1853E, Q1815E.
Identifiers: ClinVar variation 2104259 (VCV002104259.4), dbSNP rs2151309931, ClinGen allele CA394556025.

ClinVar aggregate classification (germline): Uncertain significance (1 of 4 stars; one submission).

Conditions:
Rubinstein-Taybi syndrome (RSTS). Identifiers: Orphanet 783, MedGen C0035934, MONDO:0019188.

Submission:

Labcorp Genetics (formerly Invitae), Labcorp
Classification: Uncertain significance for Rubinstein-Taybi syndrome. Last evaluated: 2022-02-28. Review status: criteria provided, single submitter. Criteria: Invitae Variant Classification Sherloc (09022015). Collection method: clinical testing. Allele origin: germline.
Comment: In summary, the available evidence is currently insufficient to determine the role of this variant in disease. Therefore, it has been classified as a Variant of Uncertain Significance. Advanced modeling of protein sequence and biophysical properties (such as structural, functional, and spatial information, amino acid conservation, physicochemical variation, residue mobility, and thermodynamic stability) performed at Invitae indicates that this missense variant is not expected to disrupt CREBBP protein function. This variant has not been reported in the literature in individuals affected with CREBBP-related conditions. This variant is not present in population databases (gnomAD no frequency). This sequence change replaces glutamine, which is neutral and polar, with glutamic acid, which is acidic and polar, at codon 1853 of the CREBBP protein (p.Gln1853Glu).